The following is an entry in ClinVar:

NM_001065.4(TNFRSF1A):c.1110C>T (p.Arg370=)

Gene: TNFRSF1A (TNF receptor superfamily member 1A; minus strand). Cytogenetic location: 12p13.31.
Variant type: single nucleotide variant.
Coding change: c.1110C>T on transcript NM_001065.4 (MANE Select); coding-DNA position 1110, C replaced by T.
Protein change: p.Arg370=; no amino-acid change (arginine 370 retained).
Molecular consequence: synonymous variant. On other transcripts: non-coding transcript variant (1).
Genome position (GRCh38, 1-based): chr12:6,329,570, G>A on the plus strand (C>T on the coding strand, the complement: TNFRSF1A is on the minus strand). VCF-style: chr12-6329570-G-A. GRCh37 (hg19) VCF-style: chr12-6438736-G-A.
Other names: p.Arg370=; c.786C>T, p.Arg262= (NM_001346091.2); c.651C>T, p.Arg217= (NM_001346092.2).
Identifiers: ClinVar variation 310107 (VCV000310107.56), dbSNP rs201683984, ClinGen allele CA6405260.

ClinVar aggregate classification (germline): Conflicting classifications of pathogenicity. Review status: criteria provided, conflicting classifications (1 of 4 stars). 11 submissions from 11 submitters: Uncertain significance (1); Benign (4); Likely benign (3). 3 of the submissions do not count toward it. Last evaluated 2026-01-20.

Conditions:
Autoinflammatory syndrome. Identifiers: Orphanet 93665, MedGen C3890737, MONDO:0019751.
TNF receptor-associated periodic fever syndrome (TRAPS) (FPF). Also called: TNF receptor 1-associated periodic fever syndrome; FAMILIAL HIBERNIAN FEVER; TNF Receptor-Associated Periodic Fever Syndrome; TNF RECEPTOR-ASSOCIATED PERIODIC SYNDROME; TUMOR NECROSIS FACTOR RECEPTOR-ASSOCIATED PERIODIC SYNDROME; Autosomal Dominant Familial Periodic Fever. Identifiers: Orphanet 32960, MedGen C1275126, MONDO:0007727, OMIM 142680.

Allele frequency attached by ClinVar (database versions not stated): 1000 Genomes Project 30x 0.00094; 1000 Genomes Project 0.00100; ESP Exome Variant Server 0.00100; TOPMed 0.00109; gnomAD exomes 0.00183 and 0.00233; gnomAD 0.00220 and 0.00236; ExAC 0.00234.
gnomAD v4.1: 3,672 of 1,592,362 alleles (0.23%); highest among the groups gnomAD compares: Non-Finnish European, 0.23%; 9 homozygotes.

Submissions (11):

Labcorp Genetics (formerly Invitae), Labcorp
Classification: Benign for TNF receptor-associated periodic fever syndrome (TRAPS). Last evaluated: 2026-01-20. Review status: criteria provided, single submitter. Criteria: Invitae Variant Classification Sherloc (09022015). Collection method: clinical testing. Allele origin: germline.

CeGaT Center for Human Genetics Tuebingen
Classification: Likely benign. Last evaluated: 2025-01-01. Review status: criteria provided, single submitter. Criteria: CeGaT Center For Human Genetics Tuebingen Variant Classification Criteria Version 2. Collection method: clinical testing. Allele origin: germline. Affected: yes. Observed: 3 variant alleles.
Comment: TNFRSF1A: BP4, BP7

Blueprint Genetics
Classification: Likely benign. Last evaluated: 2024-11-21. Review status: criteria provided, single submitter. Criteria: ACMG Guidelines, 2015. Collection method: clinical testing. Allele origin: germline.

Mayo Clinic Laboratories, Mayo Clinic
Classification: Benign. Last evaluated: 2024-03-24. Review status: criteria provided, single submitter. Criteria: ACMG Guidelines, 2015. Collection method: clinical testing. Allele origin: germline. Observed: 3 variant alleles.
Comment: BS1, BS2, BP4, BP7

ARUP Laboratories, Molecular Genetics and Genomics, ARUP Laboratories
Classification: Benign. Last evaluated: 2023-11-03. Review status: criteria provided, single submitter. Criteria: ARUP Molecular Germline Variant Investigation Process 2024. Collection method: clinical testing. Allele origin: germline.

Genome Diagnostics Laboratory, The Hospital for Sick Children
Classification: Likely benign for Autoinflammatory syndrome. Last evaluated: 2022-01-17. Review status: criteria provided, single submitter. Criteria: ACMG Guidelines, 2015. Collection method: clinical testing. Allele origin: germline. Affected: yes.

Illumina Laboratory Services, Illumina
Classification: Uncertain significance for TNF receptor-associated periodic fever syndrome (TRAPS). Last evaluated: 2018-01-12. Review status: criteria provided, single submitter. Criteria: ICSL Variant Classification Criteria 13 December 2019. Collection method: clinical testing. Allele origin: germline.

GeneDx
Classification: Benign. Last evaluated: 2015-03-03. Review status: criteria provided, single submitter. Criteria: GeneDx Variant Classification Process June 2021. Collection method: clinical testing. Allele origin: germline. Affected: yes.

Molecular Genetics Laboratory, BC Children's and BC Women's Hospitals
Classification: Likely benign for TNF receptor-associated periodic fever syndrome (TRAPS). Last evaluated: 2021-08-27. Review status: no assertion criteria provided. Criteria: ACMG Guidelines, 2015. Collection method: clinical testing. Allele origin: germline. Affected: yes. Not counted in ClinVar's aggregate classification.

Clinical Genetics DNA and cytogenetics Diagnostics Lab, Erasmus MC, Erasmus Medical Center
Classification: Likely benign. Review status: no assertion criteria provided. Collection method: clinical testing. Allele origin: germline. Affected: yes. Study: VKGL Data-share Consensus. Not counted in ClinVar's aggregate classification.

Genome Diagnostics Laboratory, University Medical Center Utrecht
Classification: Likely benign. Review status: no assertion criteria provided. Collection method: clinical testing. Allele origin: germline. Affected: yes. Study: VKGL Data-share Consensus. Not counted in ClinVar's aggregate classification.